The following is an entry in ClinVar:

ClinVar aggregate classification (germline): Uncertain significance (1 of 4 stars; one submission).

Conditions:
Charcot-Marie-Tooth disease axonal type 2L. Also called: Charcot-Marie-Tooth Neuropathy Type 2L; CHARCOT-MARIE-TOOTH DISEASE, AXONAL, AUTOSOMAL DOMINANT, TYPE 2L; CHARCOT-MARIE-TOOTH NEUROPATHY, AXONAL, TYPE 2L. Identifiers: Orphanet 99945, MedGen C1837552, MONDO:0012096, OMIM 608673.

Allele frequency attached by ClinVar (database versions not stated): gnomAD exomes below 0.00001; TOPMed below 0.00001; gnomAD 0.00001.

Submission:

Labcorp Genetics (formerly Invitae), Labcorp
Classification: Uncertain significance for Charcot-Marie-Tooth disease axonal type 2L. Last evaluated: 2024-03-09. Review status: criteria provided, single submitter. Criteria: Invitae Variant Classification Sherloc (09022015). Collection method: clinical testing. Allele origin: germline.
Comment: This sequence change replaces glycine, which is neutral and non-polar, with serine, which is neutral and polar, at codon 133 of the HSPB8 protein (p.Gly133Ser). This variant is present in population databases (no rsID available, gnomAD 0.0009%). This variant has not been reported in the literature in individuals affected with HSPB8-related conditions. ClinVar contains an entry for this variant (Variation ID: 1402294). An algorithm developed to predict the effect of missense changes on protein structure and function (PolyPhen-2) suggests that this variant is likely to be disruptive. In summary, the available evidence is currently insufficient to determine the role of this variant in disease. Therefore, it has been classified as a Variant of Uncertain Significance.

NM_014365.3(HSPB8):c.397G>A (p.Gly133Ser)

Gene: HSPB8 (heat shock protein family B (small) member 8; plus strand). Cytogenetic location: 12q24.23.
Variant type: single nucleotide variant.
Coding change: c.397G>A on transcript NM_014365.3 (MANE Select); coding-DNA position 397, G replaced by A.
Protein change: p.Gly133Ser; replaces glycine 133 with serine.
Molecular consequence: missense variant.
Genome position (GRCh38, 1-based): chr12:119,187,054, G>A. VCF-style: chr12-119187054-G-A. GRCh37 (hg19) VCF-style: chr12-119624859-G-A.
Other names: short protein forms G133S.
Identifiers: ClinVar variation 1402294 (VCV001402294.6), dbSNP rs1179250162, ClinGen allele CA386529386.